The following is an entry in ClinVar:

NM_032806.6(POMGNT2):c.944A>G (p.Gln315Arg)

Gene: POMGNT2 (protein O-linked mannose N-acetylglucosaminyltransferase 2 (beta 1,4-); minus strand). Cytogenetic location: 3p22.1.
Variant type: single nucleotide variant.
Coding change: c.944A>G on transcript NM_032806.6 (MANE Select); coding-DNA position 944, A replaced by G.
Protein change: p.Gln315Arg; replaces glutamine 315 with arginine.
Molecular consequence: missense variant.
Genome position (GRCh38, 1-based): chr3:43,080,488, T>C on the plus strand (A>G on the coding strand, the complement: POMGNT2 is on the minus strand). VCF-style: chr3-43080488-T-C. GRCh37 (hg19) VCF-style: chr3-43121980-T-C.
Other names: short protein forms Q315R.
Identifiers: ClinVar variation 1914289 (VCV001914289.5), dbSNP rs763901490, ClinGen allele CA2339961.

ClinVar aggregate classification (germline): Uncertain significance (1 of 4 stars; one submission).

Conditions:
Muscular dystrophy-dystroglycanopathy (congenital with brain and eye anomalies), type a, 8 (MDDGA8). Also called: WALKER-WARBURG SYNDROME OR MUSCLE-EYE-BRAIN DISEASE, GTDC2-RELATED. Identifiers: Orphanet 899, MedGen C3553813, MONDO:0013904, OMIM 614830.

Allele frequency attached by ClinVar (database versions not stated): gnomAD exomes below 0.00001; ExAC 0.00001.
gnomAD v4.1: 1 of 1,614,202 alleles (0.000062%); highest among the groups gnomAD compares: East Asian, 0.0022%; no homozygotes.

Submission:

Labcorp Genetics (formerly Invitae), Labcorp
Classification: Uncertain significance for Muscular dystrophy-dystroglycanopathy (congenital with brain and eye anomalies), type a, 8. Last evaluated: 2022-01-11. Review status: criteria provided, single submitter. Criteria: Invitae Variant Classification Sherloc (09022015). Collection method: clinical testing. Allele origin: germline.
Comment: This sequence change replaces glutamine, which is neutral and polar, with arginine, which is basic and polar, at codon 315 of the POMGNT2 protein (p.Gln315Arg). This variant is present in population databases (rs763901490, gnomAD 0.006%). This variant has not been reported in the literature in individuals affected with POMGNT2-related conditions. Algorithms developed to predict the effect of missense changes on protein structure and function are either unavailable or do not agree on the potential impact of this missense change (SIFT: "Deleterious"; PolyPhen-2: "Benign"; Align-GVGD: "Class C35"). In summary, the available evidence is currently insufficient to determine the role of this variant in disease. Therefore, it has been classified as a Variant of Uncertain Significance.